The following is an entry in ClinVar:

ClinVar aggregate classification (germline): Uncertain significance (1 of 4 stars; one submission).

Submission:

Labcorp Genetics (formerly Invitae), Labcorp
Classification: Uncertain significance. Last evaluated: 2024-10-15. Review status: criteria provided, single submitter. Criteria: Invitae Variant Classification Sherloc (09022015). Collection method: clinical testing. Allele origin: germline.
Comment: This sequence change replaces serine, which is neutral and polar, with tyrosine, which is neutral and polar, at codon 1298 of the SETD5 protein (p.Ser1298Tyr). This variant is not present in population databases (gnomAD no frequency). This variant has not been reported in the literature in individuals affected with SETD5-related conditions. ClinVar contains an entry for this variant (Variation ID: 1001397). Invitae Evidence Modeling of protein sequence and biophysical properties (such as structural, functional, and spatial information, amino acid conservation, physicochemical variation, residue mobility, and thermodynamic stability) indicates that this missense variant is not expected to disrupt SETD5 protein function with a negative predictive value of 80%. In summary, the available evidence is currently insufficient to determine the role of this variant in disease. Therefore, it has been classified as a Variant of Uncertain Significance.

NM_001080517.3(SETD5):c.3893C>A (p.Ser1298Tyr)

Gene: SETD5 (SET domain containing 5; plus strand). Cytogenetic location: 3p25.3.
Variant type: single nucleotide variant.
Coding change: c.3893C>A on transcript NM_001080517.3 (MANE Select); coding-DNA position 3893, C replaced by A.
Protein change: p.Ser1298Tyr; replaces serine 1298 with tyrosine.
Molecular consequence: missense variant.
Genome position (GRCh38, 1-based): chr3:9,475,655, C>A. VCF-style: chr3-9475655-C-A. GRCh37 (hg19) VCF-style: chr3-9517339-C-A.
Other names: c.3599C>A, p.Ser1200Tyr (NM_001292043.2, NM_001349451.2); short protein forms S1200Y, S1298Y.
Identifiers: ClinVar variation 1001397 (VCV001001397.5), dbSNP rs2045782918, ClinGen allele CA351692104.
Genomic context (GRCh38, chr3:9,475,655, plus strand): 5'-CACTGAGACCTGGAAACCCCCCCTCTCACGGTTCTTCAGAATCATCCCTCTCTTCCACGT[C>A]CTATTCCAGCCCCGCCCACCCTGTGTCCACAGACTCGTTGGCCCCATTTACGGGGACACC-3'
Protein context (NP_001073986.1, residues 1288-1308): GSSESSLSST[Ser1298Tyr]YSSPAHPVST